The following is an entry in ClinVar:

NM_001184.4(ATR):c.1754A>G (p.His585Arg)

Gene: ATR (ATR checkpoint kinase; minus strand). Cytogenetic location: 3q23.
Variant type: single nucleotide variant.
Coding change: c.1754A>G on transcript NM_001184.4 (MANE Select); coding-DNA position 1754, A replaced by G.
Protein change: p.His585Arg; replaces histidine 585 with arginine.
Molecular consequence: missense variant.
Genome position (GRCh38, 1-based): chr3:142,558,755, T>C on the plus strand (A>G on the coding strand, the complement: ATR is on the minus strand). VCF-style: chr3-142558755-T-C. GRCh37 (hg19) VCF-style: chr3-142277597-T-C.
Other names: c.1562A>G, p.His521Arg (NM_001354579.2); short protein forms H521R, H585R.
Identifiers: ClinVar variation 2561361 (VCV002561361.2), dbSNP rs2108477950, ClinGen allele CA354821435.

ClinVar aggregate classification (germline): Uncertain significance (1 of 4 stars; one submission).

Conditions:
Inborn genetic diseases. Identifiers: MedGen C0950123, MeSH D030342.

gnomAD v4.1: 3 of 1,609,776 alleles (0.00019%); highest among the groups gnomAD compares: Non-Finnish European, 0.00025%; no homozygotes.

Submission:

Ambry Genetics
Classification: Uncertain significance for Inborn genetic diseases. Last evaluated: 2023-04-05. Review status: criteria provided, single submitter. Criteria: Ambry Variant Classification Scheme 2023. Collection method: clinical testing. Allele origin: germline.
Comment: The p.H585R variant (also known as c.1754A>G), located in coding exon 8 of the ATR gene, results from an A to G substitution at nucleotide position 1754. The histidine at codon 585 is replaced by arginine, an amino acid with highly similar properties. This amino acid position is conserved. In addition, this alteration is predicted to be tolerated by in silico analysis. Since supporting evidence is limited at this time, the clinical significance of this alteration remains unclear.